The following is an entry in ClinVar:

NM_003907.3(EIF2B5):c.1774G>A (p.Val592Met)

Gene: EIF2B5 (eukaryotic translation initiation factor 2B subunit epsilon; plus strand). Cytogenetic location: 3q27.1.
Variant type: single nucleotide variant.
Coding change: c.1774G>A on transcript NM_003907.3 (MANE Select); coding-DNA position 1774, G replaced by A.
Protein change: p.Val592Met; replaces valine 592 with methionine.
Molecular consequence: missense variant.
Genome position (GRCh38, 1-based): chr3:184,143,470, G>A. VCF-style: chr3-184143470-G-A. GRCh37 (hg19) VCF-style: chr3-183861258-G-A.
Other names: short protein forms V592M.
Identifiers: ClinVar variation 1368001 (VCV001368001.6), dbSNP rs2109011410, ClinGen allele CA355393128.

ClinVar aggregate classification (germline): Uncertain significance (1 of 4 stars; one submission).

Submission:

Labcorp Genetics (formerly Invitae), Labcorp
Classification: Uncertain significance. Last evaluated: 2021-09-16. Review status: criteria provided, single submitter. Criteria: Invitae Variant Classification Sherloc (09022015). Collection method: clinical testing. Allele origin: germline.
Comment: This sequence change replaces valine with methionine at codon 592 of the EIF2B5 protein (p.Val592Met). The valine residue is highly conserved and there is a small physicochemical difference between valine and methionine. This variant is not present in population databases (ExAC no frequency). In summary, the available evidence is currently insufficient to determine the role of this variant in disease. Therefore, it has been classified as a Variant of Uncertain Significance. Algorithms developed to predict the effect of missense changes on protein structure and function are either unavailable or do not agree on the potential impact of this missense change (SIFT: "Tolerated"; PolyPhen-2: "Possibly Damaging"; Align-GVGD: "Class C0"). This variant has not been reported in the literature in individuals affected with EIF2B5-related conditions.